The following is an entry in ClinVar:

ClinVar aggregate classification (germline): Uncertain significance (1 of 4 stars; one submission).

Conditions:
ALG1-congenital disorder of glycosylation. Also called: CDG Ik; CONGENITAL DISORDER OF GLYCOSYLATION, TYPE Ik; ALG1-CDG. Identifiers: Orphanet 79327, MedGen C2931005, MONDO:0012052, OMIM 608540.

gnomAD v4.1: 1 of 1,614,128 alleles (0.000062%); highest among the groups gnomAD compares: Non-Finnish European, 0.000085%; no homozygotes.

Submission:

Labcorp Genetics (formerly Invitae), Labcorp
Classification: Uncertain significance for ALG1-congenital disorder of glycosylation. Last evaluated: 2023-04-16. Review status: criteria provided, single submitter. Criteria: Invitae Variant Classification Sherloc (09022015). Collection method: clinical testing. Allele origin: germline.
Comment: In summary, the available evidence is currently insufficient to determine the role of this variant in disease. Therefore, it has been classified as a Variant of Uncertain Significance. Advanced modeling of protein sequence and biophysical properties (such as structural, functional, and spatial information, amino acid conservation, physicochemical variation, residue mobility, and thermodynamic stability) performed at Invitae indicates that this missense variant is expected to disrupt ALG1 protein function. This variant has not been reported in the literature in individuals affected with ALG1-related conditions. This variant is not present in population databases (gnomAD no frequency). This sequence change replaces lysine, which is basic and polar, with threonine, which is neutral and polar, at codon 106 of the ALG1 protein (p.Lys106Thr).

NM_019109.5(ALG1):c.317A>C (p.Lys106Thr)

Gene: ALG1 (ALG1 chitobiosyldiphosphodolichol beta-mannosyltransferase; plus strand). Cytogenetic location: 16p13.3.
Variant type: single nucleotide variant.
Coding change: c.317A>C on transcript NM_019109.5 (MANE Select); coding-DNA position 317, A replaced by C.
Protein change: p.Lys106Thr; replaces lysine 106 with threonine.
Molecular consequence: missense variant. On other transcripts: 5 prime UTR variant (1).
Genome position (GRCh38, 1-based): chr16:5,073,183, A>C. VCF-style: chr16-5073183-A-C. GRCh37 (hg19) VCF-style: chr16-5123184-A-C.
Other names: c.-17A>C (NM_001330504.2); short protein forms K106T.
Identifiers: ClinVar variation 3017509 (VCV003017509.3), dbSNP rs749171775, ClinGen allele CA394679885.